The following is an entry in ClinVar:

NM_000535.7(PMS2):c.1214C>T (p.Ser405Leu)

Gene: PMS2 (PMS1 homolog 2, mismatch repair system component; minus strand). Cytogenetic location: 7p22.1.
Variant type: single nucleotide variant.
Coding change: c.1214C>T on transcript NM_000535.7 (MANE Select); coding-DNA position 1214, C replaced by T.
Protein change: p.Ser405Leu; replaces serine 405 with leucine.
Molecular consequence: missense variant. On other transcripts: non-coding transcript variant (1).
Genome position (GRCh38, 1-based): chr7:5,987,551, G>A on the plus strand (C>T on the coding strand, the complement: PMS2 is on the minus strand). VCF-style: chr7-5987551-G-A. GRCh37 (hg19) VCF-style: chr7-6027182-G-A.
Other names: c.809C>T, p.Ser270Leu (NM_001322003.2, NM_001322004.2, NM_001322005.2 and 1 more transcripts); c.1058C>T, p.Ser353Leu (NM_001322006.2); c.896C>T, p.Ser299Leu (NM_001322007.2, NM_001322008.2); c.653C>T, p.Ser218Leu (NM_001322010.2); c.281C>T, p.Ser94Leu (NM_001322011.2, NM_001322012.2); c.641C>T, p.Ser214Leu (NM_001322013.2); c.1214C>T, p.Ser405Leu (NM_001322014.2); c.905C>T, p.Ser302Leu (NM_001322015.2); short protein forms S405L, S218L, S353L, S302L, S270L, S214L, S299L, S94L.
Identifiers: ClinVar variation 455644 (VCV000455644.15), dbSNP rs1554298036, ClinGen allele CA366742550.
Genomic context (GRCh38, chr7:5,987,551, plus strand): 5'-GAAAAGGCCTCTCGCAGTCTGGAAATGGACACGTCTTTTTTTTCTTCTCCAGTCCTTAAT[G>A]AAGGGGATTGATCCTGCTTTTCTACCATGGGCTTTTCCAAATCCGCTGCATGCATTTTTA-3'
Protein context (NP_000526.2, residues 395-415): PMVEKQDQSP[Ser405Leu]LRTGEEKKDV

ClinVar aggregate classification (germline): Uncertain significance. Review status: criteria provided, multiple submitters, no conflicts (2 of 4 stars). 5 submissions from 5 submitters: Uncertain significance (5). Last evaluated 2025-03-04.

Conditions:
Hereditary nonpolyposis colorectal neoplasms. Identifiers: MedGen C0009405, MeSH D003123.
Hereditary cancer-predisposing syndrome. Also called: Hereditary Cancer Syndrome; Hereditary neoplastic syndrome; Neoplastic Syndromes, Hereditary; Tumor predisposition. Identifiers: Orphanet 140162, MedGen C0027672, MeSH D009386, MONDO:0015356.
Lynch syndrome 4 (LYNCH4). Also called: Colorectal cancer, hereditary nonpolyposis, type 4; Hereditary non-polyposis colorectal cancer, type 4. Identifiers: Orphanet 144, MedGen C1838333, MONDO:0013699, OMIM 614337. Disease mechanism: loss of function.

Submissions (5):

Center for Genomic Medicine, Rigshospitalet, Copenhagen University Hospital
Classification: Uncertain significance. Last evaluated: 2025-03-04. Review status: criteria provided, single submitter. Criteria: ACMG Guidelines, 2015. Collection method: clinical testing. Allele origin: germline.

Labcorp Genetics (formerly Invitae), Labcorp
Classification: Uncertain significance for Hereditary nonpolyposis colorectal neoplasms. Last evaluated: 2023-12-10. Review status: criteria provided, single submitter. Criteria: Invitae Variant Classification Sherloc (09022015). Collection method: clinical testing. Allele origin: germline.
Comment: This sequence change replaces serine, which is neutral and polar, with leucine, which is neutral and non-polar, at codon 405 of the PMS2 protein (p.Ser405Leu). This variant is not present in population databases (gnomAD no frequency). This missense change has been observed in individual(s) with personal or family history of Lynch syndrome (PMID: 31433215). ClinVar contains an entry for this variant (Variation ID: 455644). Advanced modeling of protein sequence and biophysical properties (such as structural, functional, and spatial information, amino acid conservation, physicochemical variation, residue mobility, and thermodynamic stability) performed at Invitae indicates that this missense variant is not expected to disrupt PMS2 protein function with a negative predictive value of 80%. In summary, the available evidence is currently insufficient to determine the role of this variant in disease. Therefore, it has been classified as a Variant of Uncertain Significance.

Baylor Genetics
Classification: Uncertain significance for Lynch syndrome 4. Last evaluated: 2023-06-15. Review status: criteria provided, single submitter. Criteria: ACMG Guidelines, 2015. Collection method: clinical testing. Allele origin: unknown.

Color Diagnostics, LLC DBA Color Health
Classification: Uncertain significance for Hereditary cancer-predisposing syndrome. Last evaluated: 2023-01-24. Review status: criteria provided, single submitter. Criteria: ACMG Guidelines, 2015. Collection method: clinical testing. Allele origin: germline.
Comment: This missense variant replaces serine with leucine at codon 405 of the PMS2 protein. Computational prediction suggests that this variant may not impact protein structure and function (internally defined REVEL score threshold <= 0.5, PMID: 27666373). To our knowledge, functional studies have not been reported for this variant. This variant has been reported in an individual affected with Lynch syndrome (PMID: 31433215). This variant has not been identified in the general population by the Genome Aggregation Database (gnomAD). The available evidence is insufficient to determine the role of this variant in disease conclusively. Therefore, this variant is classified as a Variant of Uncertain Significance.

Ambry Genetics
Classification: Uncertain significance for Hereditary cancer-predisposing syndrome. Last evaluated: 2020-06-25. Review status: criteria provided, single submitter. Criteria: Ambry Variant Classification Scheme 2023. Collection method: clinical testing. Allele origin: germline.
Comment: The p.S405L variant (also known as c.1214C>T), located in coding exon 11 of the PMS2 gene, results from a C to T substitution at nucleotide position 1214. The serine at codon 405 is replaced by leucine, an amino acid with dissimilar properties. This amino acid position is poorly conserved in available vertebrate species. In addition, this alteration is predicted to be tolerated by in silico analysis. Since supporting evidence is limited at this time, the clinical significance of this alteration remains unclear.

Literature cited by the submitters: PubMed 31433215 (cited by 3 submitters).